The following is an entry in ClinVar:

NM_000503.6(EYA1):c.1050+1G>T

Gene: EYA1 (EYA transcriptional coactivator and phosphatase 1; minus strand). Cytogenetic location: 8q13.3.
Variant type: single nucleotide variant.
Coding change: c.1050+1G>T on transcript NM_000503.6 (MANE Select); the canonical splice donor site of the intron after coding-DNA position 1050, G replaced by T.
Molecular consequence: splice donor variant.
Genome position (GRCh38, 1-based): chr8:71,269,739, C>A on the plus strand (G>T on the coding strand, the complement: EYA1 is on the minus strand). VCF-style: chr8-71269739-C-A. GRCh37 (hg19) VCF-style: chr8-72181974-C-A.
Other names: c.1119+1G>T (NM_001370336.1); c.1137+1G>T (NM_001370333.1); c.1050+1G>T (NM_001370335.1, NM_001370334.1, NM_172058.4); c.1122+1G>T (NM_172059.5); c.951+1G>T (NM_001411797.1, NM_172060.4); c.684+1G>T (NM_001288575.2); c.1032+1G>T (NM_001288574.2).
Identifiers: ClinVar variation 854287 (VCV000854287.11), dbSNP rs1816289467, ClinGen allele CA371468205.

ClinVar aggregate classification (germline): Pathogenic. Review status: criteria provided, multiple submitters, no conflicts (2 of 4 stars). 2 submissions from 2 submitters: Pathogenic (2). Last evaluated 2019-12-30.

Conditions:
Melnick-Fraser syndrome (BOR). Also called: Branchio-oto-renal syndrome; Branchiootorenal Syndrome (BORS); Branchiootorenal syndrome. Identifiers: Orphanet 107, MedGen C0265234, MONDO:0007029.
Branchiootic syndrome 1 (BOS1). Also called: BO SYNDROME 1; BRANCHIOOTIC DYSPLASIA. Identifiers: MedGen C1865143, MONDO:0011258, OMIM 602588.

Submissions (2):

Labcorp Genetics (formerly Invitae), Labcorp
Classification: Pathogenic for Melnick-Fraser syndrome. Last evaluated: 2019-12-30. Review status: criteria provided, single submitter. Criteria: Invitae Variant Classification Sherloc (09022015). Collection method: clinical testing. Allele origin: germline.
Comment: For these reasons, this variant has been classified as Pathogenic. Donor and acceptor splice site variants typically lead to a loss of protein function (PMID: 16199547), and loss-of-function variants in EYA1 are known to be pathogenic (PMID: 10464653, 18220287). Algorithms developed to predict the effect of sequence changes on RNA splicing suggest that this variant may disrupt the consensus splice site, but this prediction has not been confirmed by published transcriptional studies. Disruption of this splice site has been observed in individual(s) with branchiootorenal syndrome (PMID: 18220287). This variant is not present in population databases (ExAC no frequency). This sequence change affects a donor splice site in intron 11 of the EYA1 gene. It is expected to disrupt RNA splicing and likely results in an absent or disrupted protein product.

Precision Medicine Center, Zhengzhou University
Classification: Pathogenic for Branchiootic syndrome 1. Review status: criteria provided, single submitter. Criteria: ACMG Guidelines, 2015. Collection method: research. Allele origin: germline. Affected: yes.
Comment: PVS1, PM2, PP3, PP4

Literature cited by the submitters: PubMed 16199547 (cited by Labcorp Genetics (formerly Invitae), Labcorp); PubMed 10464653 (cited by Labcorp Genetics (formerly Invitae), Labcorp); PubMed 18220287 (cited by Labcorp Genetics (formerly Invitae), Labcorp).